The following is an entry in ClinVar:

NC_000012.11:g.(?_32832298)_(32896344_?)dup

Gene: DNM1L (dynamin 1 like; plus strand). Cytogenetic location: 12p11.21.
Variant type: Duplication.
Identifiers: ClinVar variation 2425755 (VCV002425755.3).

ClinVar aggregate classification (germline): Uncertain significance (1 of 4 stars; one submission).

Submission:

Labcorp Genetics (formerly Invitae), Labcorp
Classification: Uncertain significance. Last evaluated: 2022-10-27. Review status: criteria provided, single submitter. Criteria: Invitae Variant Classification Sherloc (09022015). Collection method: clinical testing. Allele origin: germline.
Comment: A copy number gain of the genomic region encompassing the full coding sequence of the DNM1L gene has been identified. The boundaries of this event are unknown as they extend beyond the assayed region for this gene and therefore may encompass additional genes. As the precise location of this event is unknown, it may be in tandem or it may be located elsewhere in the genome. This variant has not been reported in the literature in individuals affected with DNM1L-related conditions. In summary, the available evidence is currently insufficient to determine the role of this variant in disease. Therefore, it has been classified as a Variant of Uncertain Significance.